The following is an entry in ClinVar:

ClinVar aggregate classification (germline): Uncertain significance. Review status: criteria provided, multiple submitters, no conflicts (2 of 4 stars). 2 submissions from 2 submitters: Uncertain significance (2). Last evaluated 2026-06-08.

Conditions:
Hereditary cancer-predisposing syndrome. Also called: Tumor predisposition; Hereditary Cancer Syndrome; Neoplastic Syndromes, Hereditary; Hereditary neoplastic syndrome. Identifiers: Orphanet 140162, MedGen C0027672, MeSH D009386, MONDO:0015356.
Hereditary breast ovarian cancer syndrome. Also called: Hereditary breast and ovarian cancer; Hereditary breast and ovarian cancer syndrome (HBOC); Hereditary breast and ovarian cancer syndrome; Breast and ovarian cancer; Hereditary breast and/or ovarian cancer syndrome; BRCA1- and BRCA2-Associated Hereditary Breast and Ovarian Cancer. Identifiers: Orphanet 145, MedGen C0677776, MeSH D061325, MONDO:0003582. Disease mechanism: loss of function.

Submissions (2):

Ambry Genetics
Classification: Uncertain significance for Hereditary cancer-predisposing syndrome. Last evaluated: 2026-06-08. Review status: criteria provided, single submitter. Criteria: Ambry Variant Classification Scheme 2023. Collection method: clinical testing. Allele origin: germline.
Comment: The p.R245G variant (also known as c.733A>G), located in coding exon 8 of the BRCA2 gene, results from an A to G substitution at nucleotide position 733. The arginine at codon 245 is replaced by glycine, an amino acid with dissimilar properties. This amino acid position is not well conserved in available vertebrate species. In addition, this alteration is predicted to be tolerated by in silico analysis. Based on the available evidence, the clinical significance of this variant remains unclear.

Labcorp Genetics (formerly Invitae), Labcorp
Classification: Uncertain significance for Hereditary breast ovarian cancer syndrome. Last evaluated: 2019-08-18. Review status: criteria provided, single submitter. Criteria: Invitae Variant Classification Sherloc (09022015). Collection method: clinical testing. Allele origin: germline.
Comment: This variant has not been reported in the literature in individuals with BRCA2-related disease. In summary, the available evidence is currently insufficient to determine the role of this variant in disease. Therefore, it has been classified as a Variant of Uncertain Significance. Algorithms developed to predict the effect of missense changes on protein structure and function are either unavailable or do not agree on the potential impact of this missense change (SIFT: "Deleterious"; PolyPhen-2: "Benign"; Align-GVGD: "Class C0"). This variant is not present in population databases (ExAC no frequency). This sequence change replaces arginine with glycine at codon 245 of the BRCA2 protein (p.Arg245Gly). The arginine residue is moderately conserved and there is a moderate physicochemical difference between arginine and glycine.

NM_000059.4(BRCA2):c.733A>G (p.Arg245Gly)

Gene: BRCA2 (BRCA2 DNA repair associated; plus strand). Cytogenetic location: 13q13.1.
Variant type: single nucleotide variant.
Coding change: c.733A>G on transcript NM_000059.4 (MANE Select); coding-DNA position 733, A replaced by G.
Protein change: p.Arg245Gly; replaces arginine 245 with glycine.
Molecular consequence: missense variant.
Genome position (GRCh38, 1-based): chr13:32,330,970, A>G. VCF-style: chr13-32330970-A-G. GRCh37 (hg19) VCF-style: chr13-32905107-A-G.
Other names: short protein forms R245G.
Identifiers: ClinVar variation 578425 (VCV000578425.12), dbSNP rs80358959, ClinGen allele CA387760034.